The following is an entry in ClinVar:

NM_001005242.3(PKP2):c.430C>G (p.Pro144Ala)

Gene: PKP2 (plakophilin 2; minus strand). Cytogenetic location: 12p11.21.
Variant type: single nucleotide variant.
Coding change: c.430C>G on transcript NM_001005242.3 (MANE Select); coding-DNA position 430, C replaced by G.
Protein change: p.Pro144Ala; replaces proline 144 with alanine.
Molecular consequence: missense variant.
Genome position (GRCh38, 1-based): chr12:32,878,450, G>C on the plus strand (C>G on the coding strand, the complement: PKP2 is on the minus strand). VCF-style: chr12-32878450-G-C. GRCh37 (hg19) VCF-style: chr12-33031384-G-C.
Other names: c.430C>G, p.Pro144Ala (NM_001407155.1, NM_001407156.1, NM_001407157.1 and 2 more transcripts); c.103C>G, p.Pro35Ala (NM_001407158.1, NM_001407159.1, NM_001407160.1 and 1 more transcripts); short protein forms P144A, P35A.
Identifiers: ClinVar variation 4138101 (VCV004138101.1).
Genomic context (GRCh38, chr12:32,878,450, plus strand): 5'-TGTGCGTGTAGTGAGCCCTCTCCGGGCTGCTGTCAGGAGAAATCTCCAGTCTCCTCAGAG[G>C]ATGCCTCAAGGACCTTTCTTCCACGGACTTCTGGGAGCTGTACTGTGCTGTTCCTCTTCC-3'
Protein context (NP_001005242.2, residues 134-154): KSVEERSLRH[Pro144Ala]LRRLEISPDS

ClinVar aggregate classification (germline): Uncertain significance (1 of 4 stars; one submission).

Conditions:
Cardiovascular phenotype. Identifiers: MedGen CN230736.

Submission:

Ambry Genetics
Classification: Uncertain significance for Cardiovascular phenotype. Last evaluated: 2025-08-03. Review status: criteria provided, single submitter. Criteria: Ambry Variant Classification Scheme 2023. Collection method: clinical testing. Allele origin: germline.
Comment: The p.P144A variant (also known as c.430C>G), located in coding exon 3 of the PKP2 gene, results from a C to G substitution at nucleotide position 430. The proline at codon 144 is replaced by alanine, an amino acid with highly similar properties. This amino acid position is conserved. In addition, the in silico prediction for this alteration is inconclusive. Based on the available evidence, the clinical significance of this variant remains unclear.